The following is an entry in ClinVar:

ClinVar aggregate classification (germline): Likely benign. Review status: criteria provided, multiple submitters, no conflicts (2 of 4 stars). 2 submissions from 2 submitters: Likely benign (2). Last evaluated 2025-08-01.

Conditions:
Autosomal recessive limb-girdle muscular dystrophy type 2J (LGMDR10). Also called: MUSCULAR DYSTROPHY, LIMB-GIRDLE, AUTOSOMAL RECESSIVE 10; Limb-girdle muscular dystrophy, type 2J. Identifiers: Orphanet 140922, MedGen C1837342, MONDO:0012127, OMIM 608807.
Dilated cardiomyopathy 1G (CMD1G). Identifiers: Orphanet 154, MedGen C1858763, MONDO:0011400, OMIM 604145.

Allele frequency attached by ClinVar (database versions not stated): gnomAD exomes below 0.00001.
gnomAD v4.1: 2 of 1,613,016 alleles (0.00012%); highest among the groups gnomAD compares: Middle Eastern, 0.017%; no homozygotes.

Submissions (2):

Labcorp Genetics (formerly Invitae), Labcorp
Classification: Likely benign for Dilated cardiomyopathy 1G; Autosomal recessive limb-girdle muscular dystrophy type 2J. Last evaluated: 2025-08-01. Review status: criteria provided, single submitter. Criteria: Invitae Variant Classification Sherloc (09022015). Collection method: clinical testing. Allele origin: germline.

GeneDx
Classification: Likely benign. Last evaluated: 2018-02-09. Review status: criteria provided, single submitter. Criteria: GeneDx Variant Classification (06012015). Collection method: clinical testing. Allele origin: germline. Affected: yes.
Comment: This variant is considered likely benign or benign based on one or more of the following criteria: it is a conservative change, it occurs at a poorly conserved position in the protein, it is predicted to be benign by multiple in silico algorithms, and/or has population frequency not consistent with disease.

NM_001267550.2(TTN):c.76122T>C (p.Asp25374=)

Genes: TTN (titin; minus strand), TTN-AS1 (TTN antisense RNA 1; plus strand). Cytogenetic location: 2q31.2.
Variant type: single nucleotide variant.
Coding change: c.76122T>C on transcript NM_001267550.2 (MANE Select); coding-DNA position 76122, T replaced by C.
Protein change: p.Asp25374=; no amino-acid change (aspartic acid 25374 retained).
Molecular consequence: synonymous variant.
Genome position (GRCh38, 1-based): chr2:178,570,010, A>G on the plus strand (T>C on the coding strand, the complement: TTN is on the minus strand). VCF-style: chr2-178570010-A-G. GRCh37 (hg19) VCF-style: chr2-179434737-A-G.
Other names: c.71199T>C, p.Asp23733= (NM_001256850.1); c.48927T>C, p.Asp16309= (NM_003319.4); c.68418T>C, p.Asp22806= (NM_133378.4); c.49302T>C, p.Asp16434= (NM_133432.3); c.49503T>C, p.Asp16501= (NM_133437.4).
Identifiers: ClinVar variation 515520 (VCV000515520.10), dbSNP rs1553602290, ClinGen allele CA430254539.